The following is an entry in ClinVar:

ClinVar aggregate classification (germline): Benign. Review status: criteria provided, multiple submitters, no conflicts (2 of 4 stars). 3 submissions from 3 submitters: Benign (2). 1 of the submissions does not count toward it. Last evaluated 2018-09-19.

Conditions:
XIRP2-related disorder. Also called: XIRP2-related condition.

Allele frequency attached by ClinVar (database versions not stated): ESP Exome Variant Server 0.00008; gnomAD 0.00091 and 0.00169; gnomAD exomes 0.00169 and 0.00303; TOPMed 0.00176; ExAC 0.00303; 1000 Genomes Project 30x 0.00921; 1000 Genomes Project 0.01038.
gnomAD v4.1: 2,716 of 1,613,344 alleles (0.17%); highest among the groups gnomAD compares: East Asian, 5.6%; 80 homozygotes.

Submissions (3):

Labcorp Genetics (formerly Invitae), Labcorp
Classification: Benign. Last evaluated: 2018-09-19. Review status: criteria provided, single submitter. Criteria: Invitae Variant Classification Sherloc (09022015). Collection method: clinical testing. Allele origin: germline.

Breakthrough Genomics
Classification: Benign. Review status: criteria provided, single submitter. Criteria: ACMG Guidelines, 2015. Collection method: not provided. Allele origin: germline. Inheritance: Unknown mechanism. Affected: yes.

PreventionGenetics, part of Exact Sciences
Classification: Benign for XIRP2-related condition. Last evaluated: 2019-03-27. Review status: no assertion criteria provided. Collection method: clinical testing. Allele origin: germline. Not counted in ClinVar's aggregate classification.
Comment: This variant is classified as benign based on ACMG/AMP sequence variant interpretation guidelines (Richards et al. 2015 PMID: 25741868, with internal and published modifications).

NM_152381.6(XIRP2):c.5516G>A (p.Gly1839Asp)

Gene: XIRP2 (xin actin binding repeat containing 2; plus strand). Cytogenetic location: 2q24.3.
Variant type: single nucleotide variant.
Coding change: c.5516G>A on transcript NM_152381.6 (MANE Select); coding-DNA position 5516, G replaced by A.
Protein change: p.Gly1839Asp; replaces glycine 1839 with aspartic acid.
Molecular consequence: missense variant. On other transcripts: intron variant (3).
Genome position (GRCh38, 1-based): chr2:167,246,908, G>A. VCF-style: chr2-167246908-G-A. GRCh37 (hg19) VCF-style: chr2-168103418-G-A.
Other names: c.4850G>A, p.Gly1617Asp (NM_001199144.2); c.1275+4998G>A (NM_001199143.2); c.1176+4998G>A (NM_001079810.4); c.510+4998G>A (NM_001199145.2); c.5516G>A (NM_152381.5); short protein forms G1617D, G1839D.
Identifiers: ClinVar variation 728646 (VCV000728646.6), dbSNP rs77219745, ClinGen allele CA1947228.
Genomic context (GRCh38, chr2:167,246,908, plus strand): 5'-TTTTTATGACCGAGCCTCAGAGTACATTTGGTAAGATACCCAAAGAAGAGATTATAAAAG[G>A]TGATTTGACATCAACCCTAAATTCCCTCAGCCAGGCTGTAAATCAGAAAACAGTGACGAA-3'
Protein context (NP_689594.4, residues 1829-1849): GKIPKEEIIK[Gly1839Asp]DLTSTLNSLS